The following is an entry in ClinVar:

NM_000514.4(GDNF):c.508G>A (p.Val170Met)

Gene: GDNF (glial cell derived neurotrophic factor; minus strand). Cytogenetic location: 5p13.2.
Variant type: single nucleotide variant.
Coding change: c.508G>A on transcript NM_000514.4 (MANE Select); coding-DNA position 508, G replaced by A.
Protein change: p.Val170Met; replaces valine 170 with methionine.
Molecular consequence: missense variant.
Genome position (GRCh38, 1-based): chr5:37,815,779, C>T on the plus strand (G>A on the coding strand, the complement: GDNF is on the minus strand). VCF-style: chr5-37815779-C-T. GRCh37 (hg19) VCF-style: chr5-37815881-C-T.
Other names: c.559G>A, p.Val187Met (NM_001190468.1); c.481G>A, p.Val161Met (NM_001190469.1); c.352G>A, p.Val118Met (NM_001278098.1); c.430G>A, p.Val144Met (NM_199231.2); short protein forms V118M, V144M, V161M, V170M, V187M.
Identifiers: ClinVar variation 2636280 (VCV002636280.1), dbSNP rs2477965341, ClinGen allele CA359613936.

ClinVar aggregate classification (germline): Uncertain significance (1 of 4 stars; one submission).

Conditions:
GDNF-related disorder. Also called: GDNF-related condition.

Submission:

PreventionGenetics, part of Exact Sciences
Classification: Uncertain significance for GDNF-related condition. Last evaluated: 2023-08-24. Review status: criteria provided, single submitter. Criteria: ACMG Guidelines, 2015. Collection method: clinical testing. Allele origin: germline.
Comment: The GDNF c.559G>A variant is predicted to result in the amino acid substitution p.Val187Met. To our knowledge, this variant has not been reported in the literature or in a large population database, indicating this variant is rare. At this time, the clinical significance of this variant is uncertain due to the absence of conclusive functional and genetic evidence.